The following is an entry in ClinVar:

ClinVar aggregate classification (germline): Benign (1 of 4 stars; one submission).

Conditions:
Autoimmune lymphoproliferative syndrome type 1. Also called: AUTOIMMUNE LYMPHOPROLIFERATIVE SYNDROME, TYPE I, AUTOSOMAL DOMINANT. Identifiers: Orphanet 3261, MedGen C2717884, MONDO:0011158, OMIM 601859.

Allele frequency attached by ClinVar (database versions not stated): gnomAD exomes 0.00131; gnomAD 0.00364 and 0.00333; 1000 Genomes Project 0.06070.

Submission:

Illumina Laboratory Services, Illumina
Classification: Benign for Autoimmune lymphoproliferative syndrome type 1. Last evaluated: 2018-01-13. Review status: criteria provided, single submitter. Criteria: ICSL Variant Classification Criteria 13 December 2019. Collection method: clinical testing. Allele origin: germline.
Comment: This variant was observed in the ICSL laboratory as part of a predisposition screen in an ostensibly healthy population. It had not been previously curated by ICSL or reported in the Human Gene Mutation Database (HGMD: prior to June 1st, 2018), and was therefore a candidate for classification through an automated scoring system. Utilizing variant allele frequency, disease prevalence and penetrance estimates, and inheritance mode, an automated score was calculated to assess if this variant is too frequent to cause the disease. Based on the score and internal cut-off values, a variant classified as benign is not then subjected to further curation. The score for this variant resulted in a classification of benign for this disease.

NM_000639.3(FASLG):c.*606T>A

Gene: FASLG (Fas ligand; plus strand). Cytogenetic location: 1q24.3.
Variant type: single nucleotide variant.
Coding change: c.*606T>A on transcript NM_000639.3 (MANE Select); 606 bases downstream of the stop codon, T replaced by A.
Molecular consequence: 3 prime UTR variant.
Genome position (GRCh38, 1-based): chr1:172,666,622, T>A. VCF-style: chr1-172666622-T-A. GRCh37 (hg19) VCF-style: chr1-172635762-T-A.
Other names: c.*1022T>A (NM_001302746.2).
Identifiers: ClinVar variation 293753 (VCV000293753.5), dbSNP rs74124375, ClinGen allele CA10608801.